The following is an entry in ClinVar:

NM_001379659.1(ZNF142):c.1556G>A (p.Arg519His)

Gene: ZNF142 (zinc finger protein 142; minus strand). Cytogenetic location: 2q35.
Variant type: single nucleotide variant.
Coding change: c.1556G>A on transcript NM_001379659.1 (MANE Select); coding-DNA position 1556, G replaced by A.
Protein change: p.Arg519His; replaces arginine 519 with histidine.
Molecular consequence: missense variant.
Genome position (GRCh38, 1-based): chr2:218,648,952, C>T on the plus strand (G>A on the coding strand, the complement: ZNF142 is on the minus strand). VCF-style: chr2-218648952-C-T. GRCh37 (hg19) VCF-style: chr2-219513675-C-T.
Other names: c.467G>A, p.Arg156His (NM_001366288.3, NM_001366289.3, NM_001366287.3); c.1556G>A, p.Arg519His (NM_001366290.3, NM_001379660.1, NM_001379661.1); c.956G>A, p.Arg319His (NM_001366291.3, NM_001105537.5, NM_001379662.1); c.956G>A (NM_001105537.2); short protein forms R156H, R319H, R519H.
Identifiers: ClinVar variation 1695004 (VCV001695004.34), dbSNP rs146514201, ClinGen allele CA2109354.

ClinVar aggregate classification (germline): Benign/Likely benign. Review status: criteria provided, multiple submitters, no conflicts (2 of 4 stars). 3 submissions from 3 submitters: Benign (1); Likely benign (1). 1 of the submissions does not count toward it. Last evaluated 2026-08-01.

Conditions:
Neurodevelopmental disorder with impaired speech and hyperkinetic movements. Identifiers: MedGen C5193088, MONDO:0032741, OMIM 618425.
ZNF142-related disorder. Also called: ZNF142-related condition.

Allele frequency attached by ClinVar (database versions not stated): gnomAD 0.00512 and 0.00531; ESP Exome Variant Server 0.00520; gnomAD exomes 0.00616 and 0.00721; ExAC 0.00679; 1000 Genomes Project 30x 0.00156; 1000 Genomes Project 0.00180; TOPMed 0.00465.
gnomAD v4.1: 11,276 of 1,612,700 alleles (0.7%); highest among the groups gnomAD compares: Non-Finnish European, 0.82%; 59 homozygotes.

Submissions (3):

CeGaT Center for Human Genetics Tuebingen
Classification: Likely benign. Last evaluated: 2026-08-01. Review status: criteria provided, single submitter. Criteria: CeGaT Center For Human Genetics Tuebingen Variant Classification Criteria Version 2. Collection method: clinical testing. Allele origin: germline. Affected: yes. Observed: 43 variant alleles.
Comment: ZNF142: BS2

Victorian Clinical Genetics Services, Murdoch Childrens Research Institute
Classification: Benign for Neurodevelopmental disorder with impaired speech and hyperkinetic movements. Last evaluated: 2023-07-17. Review status: criteria provided, single submitter. Criteria: ACMG Guidelines, 2015. Collection method: clinical testing. Allele origin: germline. Inheritance: Autosomal recessive inheritance.
Comment: Based on the classification scheme VCGS_Germline_v1.3.4, this variant is classified as benign. Following criteria are met: 0308 - Population frequency for this variant is out of keeping with known incidence of neurodevelopmental disorder with impaired speech and hyperkinetic movements (MIM#618331), with 12 homozygotes in gnomAD v2. (SB) Legend: (SP) - Supporting pathogenic, (I) - Information, (SB) - Supporting benign

PreventionGenetics, part of Exact Sciences
Classification: Benign for ZNF142-related condition. Last evaluated: 2019-11-04. Review status: no assertion criteria provided. Collection method: clinical testing. Allele origin: germline. Not counted in ClinVar's aggregate classification.
Comment: This variant is classified as benign based on ACMG/AMP sequence variant interpretation guidelines (Richards et al. 2015 PMID: 25741868, with internal and published modifications).